The following is an entry in ClinVar:

NM_001378454.1(ALMS1):c.8960T>C (p.Leu2987Pro)

Gene: ALMS1 (ALMS1 centrosome and basal body associated protein; plus strand). Cytogenetic location: 2p13.1.
Variant type: single nucleotide variant.
Coding change: c.8960T>C on transcript NM_001378454.1 (MANE Select); coding-DNA position 8960, T replaced by C.
Protein change: p.Leu2987Pro; replaces leucine 2987 with proline.
Molecular consequence: missense variant.
Genome position (GRCh38, 1-based): chr2:73,490,919, T>C. VCF-style: chr2-73490919-T-C. GRCh37 (hg19) VCF-style: chr2-73718046-T-C.
Other names: c.8963T>C, p.Leu2988Pro (NM_015120.4); short protein forms L2987P, L2988P.
Identifiers: ClinVar variation 1517363 (VCV001517363.6), dbSNP rs1465260699, ClinGen allele CA347271925.

ClinVar aggregate classification (germline): Uncertain significance. Review status: criteria provided, multiple submitters, no conflicts (2 of 4 stars). 3 submissions from 3 submitters: Uncertain significance (3). Last evaluated 2022-11-01.

Conditions:
Cardiovascular phenotype. Identifiers: MedGen CN230736.
Alstrom syndrome (ALMS). Identifiers: Orphanet 64, MedGen C0268425, MONDO:0008763, OMIM 203800.

Allele frequency attached by ClinVar (database versions not stated): TOPMed below 0.00001; gnomAD exomes 0.00001.
gnomAD v4.1: 11 of 1,614,188 alleles (0.00068%); highest among the groups gnomAD compares: South Asian, 0.011%; no homozygotes.

Submissions (3):

Labcorp Genetics (formerly Invitae), Labcorp
Classification: Uncertain significance for Alstrom syndrome. Last evaluated: 2022-11-01. Review status: criteria provided, single submitter. Criteria: Invitae Variant Classification Sherloc (09022015). Collection method: clinical testing. Allele origin: germline.
Comment: This sequence change replaces leucine with proline at codon 2988 of the ALMS1 protein (p.Leu2988Pro). The leucine residue is moderately conserved and there is a moderate physicochemical difference between leucine and proline. This variant is present in population databases (no rsID available, gnomAD 0.01%). This variant has not been reported in the literature in individuals affected with ALMS1-related conditions. ClinVar contains an entry for this variant (Variation ID: 1517363). Experimental studies and prediction algorithms are not available or were not evaluated, and the functional significance of this variant is currently unknown. In summary, the available evidence is currently insufficient to determine the role of this variant in disease. Therefore, it has been classified as a Variant of Uncertain Significance.

Blueprint Genetics
Classification: Uncertain significance. Last evaluated: 2022-09-20. Review status: criteria provided, single submitter. Criteria: ACMG Guidelines, 2015. Collection method: clinical testing. Allele origin: germline.

Ambry Genetics
Classification: Uncertain significance for Cardiovascular phenotype. Last evaluated: 2022-01-06. Review status: criteria provided, single submitter. Criteria: Ambry Variant Classification Scheme 2023. Collection method: clinical testing. Allele origin: germline.
Comment: The p.L2988P variant (also known as c.8963T>C), located in coding exon 10 of the ALMS1 gene, results from a T to C substitution at nucleotide position 8963. The leucine at codon 2988 is replaced by proline, an amino acid with similar properties. This amino acid position is not well conserved in available vertebrate species. In addition, this alteration is predicted to be tolerated by in silico analysis. Since supporting evidence is limited at this time, the clinical significance of this alteration remains unclear.